The following is an entry in ClinVar:

ClinVar aggregate classification (germline): Pathogenic (1 of 4 stars; one submission).

Submission:

Labcorp Genetics (formerly Invitae), Labcorp
Classification: Pathogenic. Last evaluated: 2025-04-19. Review status: criteria provided, single submitter. Criteria: Invitae Variant Classification Sherloc (09022015). Collection method: clinical testing. Allele origin: germline.
Comment: This sequence change replaces phenylalanine, which is neutral and non-polar, with leucine, which is neutral and non-polar, at codon 157 of the FGF23 protein (p.Phe157Leu). This variant is not present in population databases (gnomAD no frequency). This missense change has been observed in individuals with autosomal recessive hyperostosis–hyperphosphataemia syndrome (PMID: 24680727, 25153226). Invitae Evidence Modeling of protein sequence and biophysical properties (such as structural, functional, and spatial information, amino acid conservation, physicochemical variation, residue mobility, and thermodynamic stability) indicates that this missense variant is expected to disrupt FGF23 protein function with a positive predictive value of 95%. For these reasons, this variant has been classified as Pathogenic.

Literature cited by the submitters: PubMed 24680727; PubMed 25153226.

NM_020638.3(FGF23):c.471C>A (p.Phe157Leu)

Gene: FGF23 (fibroblast growth factor 23; minus strand). Cytogenetic location: 12p13.32.
Variant type: single nucleotide variant.
Coding change: c.471C>A on transcript NM_020638.3 (MANE Select); coding-DNA position 471, C replaced by A.
Protein change: p.Phe157Leu; replaces phenylalanine 157 with leucine.
Molecular consequence: missense variant.
Genome position (GRCh38, 1-based): chr12:4,370,628, G>T on the plus strand (C>A on the coding strand, the complement: FGF23 is on the minus strand). VCF-style: chr12-4370628-G-T. GRCh37 (hg19) VCF-style: chr12-4479794-G-T.
Other names: short protein forms F157L.
Identifiers: ClinVar variation 4709911 (VCV004709911.1).